The following is an entry in ClinVar:

NM_006009.4(TUBA1A):c.4C>T (p.Arg2Cys)

Gene: TUBA1A (tubulin alpha 1a; minus strand). Cytogenetic location: 12q13.12.
Variant type: single nucleotide variant.
Coding change: c.4C>T on transcript NM_006009.4 (MANE Select); coding-DNA position 4, C replaced by T.
Protein change: p.Arg2Cys; replaces arginine 2 with cysteine.
Molecular consequence: missense variant. On other transcripts: 5 prime UTR variant (1).
Genome position (GRCh38, 1-based): chr12:49,186,833, G>A on the plus strand (C>T on the coding strand, the complement: TUBA1A is on the minus strand). VCF-style: chr12-49186833-G-A. GRCh37 (hg19) VCF-style: chr12-49580616-G-A.
Other names: c.4C>T, p.Arg2Cys (NM_001270399.2); c.-102C>T (NM_001270400.2); short protein forms R2C.
Identifiers: ClinVar variation 3255105 (VCV003255105.1), dbSNP rs1565627805.

ClinVar aggregate classification (germline): Pathogenic (1 of 4 stars; one submission).

Conditions:
Lissencephaly due to TUBA1A mutation (CDCBM16). Also called: CORTICAL DYSPLASIA, COMPLEX, WITH OTHER BRAIN MALFORMATIONS 16; Lissencephaly 3. Identifiers: Orphanet 171680, MedGen C4305153, MONDO:0012703, OMIM 611603.

Submission:

Victorian Clinical Genetics Services, Murdoch Childrens Research Institute
Classification: Pathogenic for Lissencephaly due to TUBA1A mutation. Last evaluated: 2023-07-17. Review status: criteria provided, single submitter. Criteria: ACMG Guidelines, 2015. Collection method: clinical testing. Allele origin: germline. Inheritance: Autosomal dominant inheritance. Affected: yes.
Comment: Based on the classification scheme VCGS_Germline_v1.3.4, this variant is classified as Pathogenic. Following criteria are met: 0104 - Dominant negative is a known mechanism of disease in this gene and is associated with lissencephaly 3, resulting in defects in protein stability (MIM#61160; PMID: 20466733, PMID: 30517687). (I) 0107 - This gene is associated with autosomal dominant disease. (I) 0200 - Variant is predicted to result in a missense amino acid change from arginine to cysteine. (I) 0251 - This variant is heterozygous. (I) 0301 - Variant is absent from gnomAD (both v2 and v3). (SP) 0501 - Missense variant consistently predicted to be damaging by multiple in silico tools or highly conserved with a major amino acid change. (SP) 0603 - Missense variant in a region that is highly intolerant to missense variation (high constraint region in DECIPHER). (SP) 0702 - Other missense variants comparable to the one identified in this case have strong previous evidence for pathogenicity. p.(Arg2His) is entered as pathogenic and likely pathogenic in ClinVar, while p.(Arg2Ser) has been reported as de novo in a individual with clinical features delayed development, spontaneous movements, severe intellectual disability, microcephaly, seizures and dysmorphism (ClinVar, PMID: 28677066). (SP) 0807 - This variant has no previous evidence of pathogenicity. (I) 0905 - No published segregation evidence has been identified for this variant. (I) 1007 - No published functional evidence has been identified for this variant. (SP) Legend: (SP) - Supporting pathogenic, (I) - Information, (SB) - Supporting benign

Literature cited by the submitters: PubMed 20466733; PubMed 28677066; PubMed 30517687.